The following is an entry in ClinVar:

NM_000081.4(LYST):c.10622A>G (p.Tyr3541Cys)

Gene: LYST (lysosomal trafficking regulator; minus strand). Cytogenetic location: 1q42.3.
Variant type: single nucleotide variant.
Coding change: c.10622A>G on transcript NM_000081.4 (MANE Select); coding-DNA position 10622, A replaced by G.
Protein change: p.Tyr3541Cys; replaces tyrosine 3541 with cysteine.
Molecular consequence: missense variant.
Genome position (GRCh38, 1-based): chr1:235,693,429, T>C on the plus strand (A>G on the coding strand, the complement: LYST is on the minus strand). VCF-style: chr1-235693429-T-C. GRCh37 (hg19) VCF-style: chr1-235856729-T-C.
Other names: c.10622A>G, p.Tyr3541Cys (NM_001301365.1); short protein forms Y3541C.
Identifiers: ClinVar variation 1395457 (VCV001395457.8), dbSNP rs1369698547, ClinGen allele CA344926589.

ClinVar aggregate classification (germline): Uncertain significance. Review status: criteria provided, multiple submitters, no conflicts (2 of 4 stars). 2 submissions from 2 submitters: Uncertain significance (2). Last evaluated 2022-01-19.

Conditions:
Autoinflammatory syndrome. Identifiers: Orphanet 93665, MedGen C3890737, MONDO:0019751.
Chédiak-Higashi syndrome (CHS). Also called: Chediak-Higashi Syndrome. Identifiers: Orphanet 167, MedGen C0007965, MONDO:0008963, OMIM 214500.

Allele frequency attached by ClinVar (database versions not stated): gnomAD exomes below 0.00001 and 0.00001.
gnomAD v4.1: 5 of 1,613,156 alleles (0.00031%); highest among the groups gnomAD compares: Non-Finnish European, 0.00042%; no homozygotes.

Submissions (2):

Genome Diagnostics Laboratory, The Hospital for Sick Children
Classification: Uncertain significance for Autoinflammatory syndrome. Last evaluated: 2022-01-19. Review status: criteria provided, single submitter. Criteria: ACMG Guidelines, 2015. Collection method: clinical testing. Allele origin: germline. Affected: yes.

Labcorp Genetics (formerly Invitae), Labcorp
Classification: Uncertain significance for Chédiak-Higashi syndrome. Last evaluated: 2021-08-26. Review status: criteria provided, single submitter. Criteria: Invitae Variant Classification Sherloc (09022015). Collection method: clinical testing. Allele origin: germline.
Comment: This sequence change replaces tyrosine with cysteine at codon 3541 of the LYST protein (p.Tyr3541Cys). The tyrosine residue is moderately conserved and there is a large physicochemical difference between tyrosine and cysteine. This variant is not present in population databases (ExAC no frequency). This variant has not been reported in the literature in individuals affected with LYST-related conditions. Algorithms developed to predict the effect of missense changes on protein structure and function are either unavailable or do not agree on the potential impact of this missense change (SIFT: "Deleterious"; PolyPhen-2: "Probably Damaging"; Align-GVGD: "Class C0"). In summary, the available evidence is currently insufficient to determine the role of this variant in disease. Therefore, it has been classified as a Variant of Uncertain Significance.